The following is an entry in ClinVar:

NM_031935.3(HMCN1):c.11695A>G (p.Ile3899Val)

Gene: HMCN1 (hemicentin 1; plus strand). Cytogenetic location: 1q31.1.
Variant type: single nucleotide variant.
Coding change: c.11695A>G on transcript NM_031935.3 (MANE Select); coding-DNA position 11695, A replaced by G.
Protein change: p.Ile3899Val; replaces isoleucine 3899 with valine.
Molecular consequence: missense variant.
Genome position (GRCh38, 1-based): chr1:186,117,470, A>G. VCF-style: chr1-186117470-A-G. GRCh37 (hg19) VCF-style: chr1-186086602-A-G.
Other names: short protein forms I3899V.
Identifiers: ClinVar variation 2125657 (VCV002125657.4), dbSNP rs923845717, ClinGen allele CA33507544.

ClinVar aggregate classification (germline): Uncertain significance (1 of 4 stars; one submission).

Allele frequency attached by ClinVar (database versions not stated): gnomAD 0.00001; TOPMed 0.00002.
gnomAD v4.1: 1 of 1,613,612 alleles (0.000062%); highest among the groups gnomAD compares: Admixed American, 0.0017%; no homozygotes.

Submission:

Labcorp Genetics (formerly Invitae), Labcorp
Classification: Uncertain significance. Last evaluated: 2022-05-24. Review status: criteria provided, single submitter. Criteria: Invitae Variant Classification Sherloc (09022015). Collection method: clinical testing. Allele origin: germline.
Comment: Algorithms developed to predict the effect of missense changes on protein structure and function output the following: SIFT: "Deleterious"; PolyPhen-2: "Probably Damaging"; Align-GVGD: "Class C25". The valine amino acid residue is found in multiple mammalian species, which suggests that this missense change does not adversely affect protein function. In summary, the available evidence is currently insufficient to determine the role of this variant in disease. Therefore, it has been classified as a Variant of Uncertain Significance. This variant has not been reported in the literature in individuals affected with HMCN1-related conditions. This variant is not present in population databases (gnomAD no frequency). This sequence change replaces isoleucine, which is neutral and non-polar, with valine, which is neutral and non-polar, at codon 3899 of the HMCN1 protein (p.Ile3899Val).